The following is an entry in ClinVar:

ClinVar aggregate classification (germline): Likely benign (1 of 4 stars; one submission).

gnomAD v4.1: 8 of 1,614,004 alleles (0.0005%); highest among the groups gnomAD compares: Non-Finnish European, 0.00059%; no homozygotes.

Submission:

CeGaT Center for Human Genetics Tuebingen
Classification: Likely benign. Last evaluated: 2026-01-01. Review status: criteria provided, single submitter. Criteria: CeGaT Center For Human Genetics Tuebingen Variant Classification Criteria Version 2. Collection method: clinical testing. Allele origin: germline. Affected: yes. Observed: 1 variant allele.
Comment: RORA: BP4

NM_134261.3(RORA):c.196+51424G>C

Genes: RORA (RAR related orphan receptor A; minus strand), RORA-AS1 (RORA antisense RNA 1; plus strand). Cytogenetic location: 15q22.2.
Variant type: single nucleotide variant.
Coding change: c.196+51424G>C on transcript NM_134261.3 (MANE Select); 51424 bases into the intron after coding-DNA position 196, G replaced by C.
Molecular consequence: intron variant.
Genome position (GRCh38, 1-based): chr15:60,627,233, C>G on the plus strand (G>C on the coding strand, the complement: RORA is on the minus strand). VCF-style: chr15-60627233-C-G. GRCh37 (hg19) VCF-style: chr15-60919432-C-G.
Other names: c.137+5G>C (NM_134260.3, NM_002943.4).
Identifiers: ClinVar variation 4822387 (VCV004822387.4).
Genomic context (GRCh38, chr15:60,627,233, plus strand): 5'-TGGGTGGTGGGGGGAGGGTACACAGTGATCAGCAGAGCAAAGAACTTGCTCTCAGTGGCT[C>G]TTACCTTCTGGCTCCTTCACCTGCAGGTGTGGGTGTGGCAGACATTCTGGCCTGTCCAGT-3'